The following is an entry in ClinVar:

ClinVar aggregate classification (germline): Conflicting classifications of pathogenicity. Review status: criteria provided, conflicting classifications (1 of 4 stars). 3 submissions from 3 submitters: Uncertain significance (2); Likely benign (1). Last evaluated 2023-09-21.

Conditions:
Hereditary cancer-predisposing syndrome. Also called: Hereditary Cancer Syndrome; Hereditary neoplastic syndrome; Neoplastic Syndromes, Hereditary; Tumor predisposition. Identifiers: Orphanet 140162, MedGen C0027672, MeSH D009386, MONDO:0015356.
Hereditary breast ovarian cancer syndrome. Also called: Hereditary breast and ovarian cancer; BRCA1- and BRCA2-Associated Hereditary Breast and Ovarian Cancer; Hereditary breast and ovarian cancer syndrome (HBOC); Hereditary breast and ovarian cancer syndrome; Breast and ovarian cancer; Hereditary breast and/or ovarian cancer syndrome. Identifiers: Orphanet 145, MedGen C0677776, MeSH D061325, MONDO:0003582. Disease mechanism: loss of function.

Submissions (3):

Labcorp Genetics (formerly Invitae), Labcorp
Classification: Uncertain significance for Hereditary breast ovarian cancer syndrome. Last evaluated: 2023-09-21. Review status: criteria provided, single submitter. Criteria: Invitae Variant Classification Sherloc (09022015). Collection method: clinical testing. Allele origin: germline.
Comment: In summary, the available evidence is currently insufficient to determine the role of this variant in disease. Therefore, it has been classified as a Variant of Uncertain Significance. Advanced modeling of protein sequence and biophysical properties (such as structural, functional, and spatial information, amino acid conservation, physicochemical variation, residue mobility, and thermodynamic stability) performed at Invitae indicates that this missense variant is not expected to disrupt BRCA1 protein function. ClinVar contains an entry for this variant (Variation ID: 1766861). This variant has not been reported in the literature in individuals affected with BRCA1-related conditions. This variant is not present in population databases (gnomAD no frequency). This sequence change replaces serine, which is neutral and polar, with leucine, which is neutral and non-polar, at codon 426 of the BRCA1 protein (p.Ser426Leu).

University of Washington Department of Laboratory Medicine, University of Washington
Classification: Likely benign for Hereditary cancer-predisposing syndrome. Last evaluated: 2023-03-23. Review status: criteria provided, single submitter. Criteria: Dines et al. (Genet Med. 2020). Collection method: curation. Allele origin: germline.
Comment: Missense variant in a coldspot region where missense variants are very unlikely to be pathogenic (PMID:31911673).

BRCA1 coldspot (exon 11 using historical exon numbering). Reclassification based on statistical prior probability

Ambry Genetics
Classification: Uncertain significance for Hereditary cancer-predisposing syndrome. Last evaluated: 2020-11-06. Review status: criteria provided, single submitter. Criteria: Ambry Variant Classification Scheme 2023. Collection method: clinical testing. Allele origin: germline.
Comment: The p.S426L variant (also known as c.1277C>T), located in coding exon 9 of the BRCA1 gene, results from a C to T substitution at nucleotide position 1277. The serine at codon 426 is replaced by leucine, an amino acid with dissimilar properties. This amino acid position is well conserved in available vertebrate species. In addition, this alteration is predicted to be deleterious by in silico analysis. Since supporting evidence is limited at this time, the clinical significance of this alteration remains unclear.

NM_007294.4(BRCA1):c.1277C>T (p.Ser426Leu)

Gene: BRCA1 (BRCA1 DNA repair associated; minus strand). Cytogenetic location: 17q21.31.
Variant type: single nucleotide variant.
Coding change: c.1277C>T on transcript NM_007294.4 (MANE Select); coding-DNA position 1277, C replaced by T.
Protein change: p.Ser426Leu; replaces serine 426 with leucine.
Molecular consequence: missense variant. On other transcripts: intron variant (137).
Genome position (GRCh38, 1-based): chr17:43,094,254, G>A on the plus strand (C>T on the coding strand, the complement: BRCA1 is on the minus strand). VCF-style: chr17-43094254-G-A. GRCh37 (hg19) VCF-style: chr17-41246271-G-A.
Other names: c.1274C>T, p.Ser425Leu (NM_001407611.1, NM_001407614.1, NM_001407615.1 and 22 more transcripts); c.787+490C>T (NM_001408404.1, NM_001408472.1, NM_007299.4 and 19 more transcripts); c.1277C>T, p.Ser426Leu (NM_001407616.1, NM_001407617.1, NM_001407593.1 and 30 more transcripts); c.1268C>T, p.Ser423Leu (NM_001407646.1, NM_001407647.1); c.1154C>T, p.Ser385Leu (NM_001407648.1, NM_001407664.1, NM_001407665.1 and 19 more transcripts); c.1151C>T, p.Ser384Leu (NM_001407649.1, NM_001407670.1, NM_001407671.1 and 11 more transcripts); c.1199C>T, p.Ser400Leu (NM_001407653.1, NM_001407654.1, NM_001407655.1 and 4 more transcripts); c.1196C>T, p.Ser399Leu (NM_001407659.1, NM_001407660.1, NM_001407661.1 and 1 more transcripts); and 40 more; short protein forms S258L, S298L, S299L, S314L, S315L, S338L, S379L, S385L.
Identifiers: ClinVar variation 1766861 (VCV001766861.9), dbSNP rs886039939, ClinGen allele CA10599502.
Genomic context (GRCh38, chr17:43,094,254, plus strand): 5'-CTTTCACTTTTACATATTAAAGCCTCATGAGGATCACTGGCCAGTAAGTCTATTTTCTCT[G>A]AAGAACCAGAATATTCATCTACCTCATTTAGAACGTCCAATACATCAGCTACTTTGGCAT-3'
Protein context (NP_009225.1, residues 416-436): LNEVDEYSGS[Ser426Leu]EKIDLLASDP